The following is an entry in ClinVar:

ClinVar aggregate classification (germline): Uncertain significance. Review status: criteria provided, single submitter (1 of 4 stars). 2 submissions from 2 submitters: Uncertain significance (1). 1 of the submissions does not count toward it. Last evaluated 2022-10-13.

Conditions:
Alstrom syndrome (ALMS). Identifiers: Orphanet 64, MedGen C0268425, MONDO:0008763, OMIM 203800.

Submissions (2):

Labcorp Genetics (formerly Invitae), Labcorp
Classification: Uncertain significance for Alstrom syndrome. Last evaluated: 2022-10-13. Review status: criteria provided, single submitter. Criteria: Invitae Variant Classification Sherloc (09022015). Collection method: clinical testing. Allele origin: germline.
Comment: ClinVar contains an entry for this variant (Variation ID: 557420). Experimental studies and prediction algorithms are not available or were not evaluated, and the functional significance of this variant is currently unknown. In summary, the available evidence is currently insufficient to determine the role of this variant in disease. Therefore, it has been classified as a Variant of Uncertain Significance. This variant, c.69_70insAAGGAG, results in the insertion of 2 amino acid(s) of the ALMS1 protein (p.Glu23_Glu24insLysGlu), but otherwise preserves the integrity of the reading frame. This variant is not present in population databases (gnomAD no frequency). This variant has not been reported in the literature in individuals affected with ALMS1-related conditions.

Counsyl
Classification: Uncertain significance for Alstrom syndrome. Last evaluated: 2018-03-24. Review status: no assertion criteria provided. Collection method: clinical testing. Allele origin: unknown. Not counted in ClinVar's aggregate classification.

NM_001378454.1(ALMS1):c.66_67insAAGGAG (p.Glu22_Glu23insLysGlu)

Gene: ALMS1 (ALMS1 centrosome and basal body associated protein; plus strand). Cytogenetic location: 2p13.1.
Variant type: Insertion.
Coding change: c.66_67insAAGGAG on transcript NM_001378454.1 (MANE Select); coding-DNA positions 66 to 67, AAGGAG inserted.
Protein change: p.Glu22_Glu23insLysGlu.
Molecular consequence: inframe insertion.
Genome position: GRCh38 VCF-style: chr2-73385929-G-GAGGAGA. GRCh37 (hg19) VCF-style: chr2-73613057-G-GAGGAGA.
Other names: c.69_70insAAGGAG, p.Glu23_Glu24insLysGlu (NM_015120.4); c.69_70ins6 (NM_015120.4).
Identifiers: ClinVar variation 557420 (VCV000557420.6), dbSNP rs1553396142, ClinGen allele CA915944070.
Genomic context (GRCh38, chr2:73,385,929, plus strand): 5'-ATGGAGCCCGAGGATCTGCCATGGCCGGGCGAGCTGGAGGAGGAGGAGGAGGAGGAGGAG[G>GAGGAGA]AGGAGGAGGAGGAAGAGGAGGAGGCTGCAGCGGCGGCGGCGGCGAACGTGGACGACGTAG-3'